The following is an entry in ClinVar:

NM_014043.4(CHMP2B):c.613C>T (p.Arg205Trp)

Gene: CHMP2B (charged multivesicular body protein 2B; plus strand). Cytogenetic location: 3p11.2.
Variant type: single nucleotide variant.
Coding change: c.613C>T on transcript NM_014043.4 (MANE Select); coding-DNA position 613, C replaced by T.
Protein change: p.Arg205Trp; replaces arginine 205 with tryptophan.
Molecular consequence: missense variant.
Genome position (GRCh38, 1-based): chr3:87,253,793, C>T. VCF-style: chr3-87253793-C-T. GRCh37 (hg19) VCF-style: chr3-87302943-C-T.
Other names: c.490C>T, p.Arg164Trp (NM_001244644.2); short protein forms R164W, R205W.
Identifiers: ClinVar variation 1037550 (VCV001037550.6), dbSNP rs373536428, ClinGen allele CA2501043.

ClinVar aggregate classification (germline): Uncertain significance. Review status: criteria provided, multiple submitters, no conflicts (2 of 4 stars). 2 submissions from 2 submitters: Uncertain significance (2). Last evaluated 2024-02-13.

Conditions:
Parkinsonian disorder. Also called: Parkinsonism. Identifiers: MedGen C0242422, MONDO:0021095, HP:0001300.
Frontotemporal dementia and/or amyotrophic lateral sclerosis 7 (FTDALS7). Also called: CHMP2B-Related Frontotemporal Dementia-Amyotrophic Lateral Sclerosis; AMYOTROPHIC LATERAL SCLEROSIS, CHMP2B-RELATED; Amyotrophic lateral sclerosis 17; CHMP2B-related frontotemporal dementia. Identifiers: Orphanet 275864, Orphanet 282, Orphanet 803, MedGen C1833296, MONDO:0010936, OMIM 600795.

Allele frequency attached by ClinVar (database versions not stated): TOPMed 0.00005; gnomAD 0.00006 and 0.00005; gnomAD exomes 0.00003 and 0.00005; ExAC 0.00007; ESP Exome Variant Server 0.00008.
gnomAD v4.1: 55 of 1,611,638 alleles (0.0034%); highest among the groups gnomAD compares: East Asian, 0.011%; no homozygotes.

Submissions (2):

Labcorp Genetics (formerly Invitae), Labcorp
Classification: Uncertain significance for Frontotemporal dementia and/or amyotrophic lateral sclerosis 7. Last evaluated: 2024-02-13. Review status: criteria provided, single submitter. Criteria: Invitae Variant Classification Sherloc (09022015). Collection method: clinical testing. Allele origin: germline.
Comment: This sequence change replaces arginine, which is basic and polar, with tryptophan, which is neutral and slightly polar, at codon 205 of the CHMP2B protein (p.Arg205Trp). This variant is present in population databases (rs373536428, gnomAD 0.03%). This missense change has been observed in individual(s) with frontotemporal dementia and amyotrophic lateral sclerosis (PMID: 29411640, 30054184, 32908482). ClinVar contains an entry for this variant (Variation ID: 1037550). An algorithm developed to predict the effect of missense changes on protein structure and function (PolyPhen-2) suggests that this variant is likely to be tolerated. In summary, the available evidence is currently insufficient to determine the role of this variant in disease. Therefore, it has been classified as a Variant of Uncertain Significance.

Cambridge Genomics Laboratory, East Genomic Laboratory Hub, NHS Genomic Medicine Service
Classification: Uncertain significance for Parkinsonian disorder. Last evaluated: 2020-01-10. Review status: criteria provided, single submitter. Criteria: ACGS Best Practice Guidelines for Variant Classification in Rare Disease 2020. Collection method: clinical testing. Allele origin: germline. Affected: yes. Observed: 1 variant allele.

Literature cited by the submitters: PubMed 29411640 (cited by Labcorp Genetics (formerly Invitae), Labcorp); PubMed 30054184 (cited by Labcorp Genetics (formerly Invitae), Labcorp); PubMed 32908482 (cited by Labcorp Genetics (formerly Invitae), Labcorp).